The following is an entry in ClinVar:

NM_003098.3(SNTA1):c.809C>T (p.Thr270Ile)

Gene: SNTA1 (syntrophin alpha 1; minus strand). Cytogenetic location: 20q11.21.
Variant type: single nucleotide variant.
Coding change: c.809C>T on transcript NM_003098.3 (MANE Select); coding-DNA position 809, C replaced by T.
Protein change: p.Thr270Ile; replaces threonine 270 with isoleucine.
Molecular consequence: missense variant.
Genome position (GRCh38, 1-based): chr20:33,412,675, G>A on the plus strand (C>T on the coding strand, the complement: SNTA1 is on the minus strand). VCF-style: chr20-33412675-G-A. GRCh37 (hg19) VCF-style: chr20-32000481-G-A.
Other names: short protein forms T270I.
Identifiers: ClinVar variation 1896689 (VCV001896689.5), dbSNP rs754989824, ClinGen allele CA408631571.

ClinVar aggregate classification (germline): Uncertain significance (1 of 4 stars; one submission).

Conditions:
Long QT syndrome (LQTS). Identifiers: MedGen C0023976, MeSH D008133, MONDO:0002442. Disease mechanism: loss of function. Inheritance: Various modes of inheritance.

gnomAD v4.1: 18 of 1,613,924 alleles (0.0011%); highest among the groups gnomAD compares: Non-Finnish European, 0.0014%; no homozygotes.

Submission:

Labcorp Genetics (formerly Invitae), Labcorp
Classification: Uncertain significance for Long QT syndrome. Last evaluated: 2022-04-13. Review status: criteria provided, single submitter. Criteria: Invitae Variant Classification Sherloc (09022015). Collection method: clinical testing. Allele origin: germline.
Comment: This sequence change replaces threonine, which is neutral and polar, with isoleucine, which is neutral and non-polar, at codon 270 of the SNTA1 protein (p.Thr270Ile). This variant is present in population databases (no rsID available, gnomAD 0.0009%). This variant has not been reported in the literature in individuals affected with SNTA1-related conditions. Algorithms developed to predict the effect of missense changes on protein structure and function (SIFT, PolyPhen-2, Align-GVGD) all suggest that this variant is likely to be tolerated. In summary, the available evidence is currently insufficient to determine the role of this variant in disease. Therefore, it has been classified as a Variant of Uncertain Significance.